The following is an entry in ClinVar:

NM_000017.4(ACADS):c.514dup (p.Ala172fs)

Gene: ACADS (acyl-CoA dehydrogenase short chain; plus strand). Cytogenetic location: 12q24.31.
Variant type: Duplication.
Coding change: c.514dup on transcript NM_000017.4 (MANE Select); coding-DNA position 514, one base duplicated (G; older notation c.514dupG).
Protein change: p.Ala172fs; shifts the reading frame from alanine 172.
Molecular consequence: frameshift variant. On other transcripts: intron variant (1).
Genome position (GRCh38, 1-based): chr12:120,737,878, G duplicated; the last of 3 consecutive G bases (chr12:120,737,876-120,737,878); duplicating any one gives the same sequence. VCF-style (leftmost placement, unchanged base first): chr12-120737875-C-CG. GRCh37 (hg19) VCF-style: chr12-121175678-C-CG.
Other names: c.473-171dup (NM_001302554.2); short protein forms A172fs.
Identifiers: ClinVar variation 860547 (VCV000860547.7), dbSNP rs1482609511, ClinGen allele CA608059948.

ClinVar aggregate classification (germline): Pathogenic (1 of 4 stars; one submission).

Conditions:
Deficiency of butyryl-CoA dehydrogenase (ACADSD). Also called: SCADH DEFICIENCY; SCAD Deficiency; ACADS DEFICIENCY; ACYL-CoA DEHYDROGENASE, SHORT-CHAIN, DEFICIENCY OF; SCAD DEFICIENCY, MILD; Short-Chain Acyl-CoA Dehydrogenase Deficiency. Identifiers: Orphanet 26792, MedGen C0342783, MONDO:0008722, OMIM 201470. Disease mechanism: May be benign.

Submission:

Labcorp Genetics (formerly Invitae), Labcorp
Classification: Pathogenic for Deficiency of butyryl-CoA dehydrogenase. Last evaluated: 2022-09-19. Review status: criteria provided, single submitter. Criteria: Invitae Variant Classification Sherloc (09022015). Collection method: clinical testing. Allele origin: germline.
Comment: For these reasons, this variant has been classified as Pathogenic. ClinVar contains an entry for this variant (Variation ID: 860547). This variant has not been reported in the literature in individuals affected with ACADS-related conditions. This variant is present in population databases (no rsID available, gnomAD 0.02%). This sequence change creates a premature translational stop signal (p.Ala172Glyfs*73) in the ACADS gene. It is expected to result in an absent or disrupted protein product. Loss-of-function variants in ACADS are known to be pathogenic (PMID: 12736383, 18523805).

Literature cited by the submitters: PubMed 12736383; PubMed 18523805.